The following is an entry in ClinVar:

NM_198904.4(GABRG2):c.478G>T (p.Ala160Ser)

Gene: GABRG2 (gamma-aminobutyric acid type A receptor subunit gamma2; plus strand). Cytogenetic location: 5q34.
Variant type: single nucleotide variant.
Coding change: c.478G>T on transcript NM_198904.4 (MANE Select); coding-DNA position 478, G replaced by T.
Protein change: p.Ala160Ser; replaces alanine 160 with serine.
Molecular consequence: missense variant.
Genome position (GRCh38, 1-based): chr5:162,097,788, G>T. VCF-style: chr5-162097788-G-T. GRCh37 (hg19) VCF-style: chr5-161524794-G-T.
Other names: c.478G>T, p.Ala160Ser (NM_000816.3, NM_001375340.1, NM_001375341.1 and 4 more transcripts); c.469G>T, p.Ala157Ser (NM_001375339.1); c.412G>T, p.Ala138Ser (NM_001375345.1, NM_001375346.1); c.391G>T, p.Ala131Ser (NM_001375347.1); c.58G>T, p.Ala20Ser (NM_001375348.1, NM_001375350.1); c.193G>T, p.Ala65Ser (NM_001375349.1); short protein forms A131S, A138S, A157S, A160S, A20S, A65S.
Identifiers: ClinVar variation 4083192 (VCV004083192.2).

ClinVar aggregate classification (germline): Uncertain significance (1 of 4 stars; one submission).

Submission:

GeneDx
Classification: Uncertain significance. Last evaluated: 2026-09-01. Review status: criteria provided, single submitter. Criteria: GeneDx Variant Classification Process June 2021. Collection method: clinical testing. Allele origin: germline.
Comment: Not observed at significant frequency in large population cohorts (gnomAD); In silico analysis suggests that this missense variant does not alter protein structure/function; Has not been previously published as pathogenic or benign to our knowledge